The following is an entry in ClinVar:

ClinVar aggregate classification (germline): Uncertain significance (1 of 4 stars; one submission).

Conditions:
Donnai-Barrow syndrome. Also called: DBS/FOAR SYNDROME; FACIOOCULOACOUSTICORENAL SYNDROME. Identifiers: Orphanet 2143, MedGen C1857277, MONDO:0009104, OMIM 222448.

Submission:

MVZ Medizinische Genetik Mainz
Classification: Uncertain significance for Donnai-Barrow syndrome. Last evaluated: 2026-07-06. Review status: criteria provided, single submitter. Criteria: UK Practice Guidelines For Variant Classification V4 01 2020. Collection method: clinical testing. Allele origin: germline. Inheritance: Autosomal recessive inheritance. Affected: yes. Observed: 1 variant allele.
Comment: ACMG Criteria: PP3_MOD,PM2_SUP

NM_004525.3(LRP2):c.8054T>G (p.Leu2685Trp)

Gene: LRP2 (LDL receptor related protein 2; minus strand). Cytogenetic location: 2q31.1.
Variant type: single nucleotide variant.
Coding change: c.8054T>G on transcript NM_004525.3 (MANE Select); coding-DNA position 8054, T replaced by G.
Protein change: p.Leu2685Trp; replaces leucine 2685 with tryptophan.
Molecular consequence: missense variant.
Genome position (GRCh38, 1-based): chr2:169,202,911, A>C on the plus strand (T>G on the coding strand, the complement: LRP2 is on the minus strand). VCF-style: chr2-169202911-A-C. GRCh37 (hg19) VCF-style: chr2-170059421-A-C.
Other names: short protein forms L2685W.
Identifiers: ClinVar variation 4879863 (VCV004879863.1).